The following is an entry in ClinVar:

NM_004423.4(DVL3):c.1958A>G (p.Tyr653Cys)

Gene: DVL3 (dishevelled segment polarity protein 3; plus strand). Cytogenetic location: 3q27.1.
Variant type: single nucleotide variant.
Coding change: c.1958A>G on transcript NM_004423.4 (MANE Select); coding-DNA position 1958, A replaced by G.
Protein change: p.Tyr653Cys; replaces tyrosine 653 with cysteine.
Molecular consequence: missense variant.
Genome position (GRCh38, 1-based): chr3:184,170,562, A>G. VCF-style: chr3-184170562-A-G. GRCh37 (hg19) VCF-style: chr3-183888350-A-G.
Other names: short protein forms Y653C.
Identifiers: ClinVar variation 2835066 (VCV002835066.3), dbSNP rs2473706177, ClinGen allele CA355416395.

ClinVar aggregate classification (germline): Uncertain significance (1 of 4 stars; one submission).

Submission:

Labcorp Genetics (formerly Invitae), Labcorp
Classification: Uncertain significance. Last evaluated: 2023-05-20. Review status: criteria provided, single submitter. Criteria: Invitae Variant Classification Sherloc (09022015). Collection method: clinical testing. Allele origin: germline.
Comment: This sequence change replaces tyrosine, which is neutral and polar, with cysteine, which is neutral and slightly polar, at codon 653 of the DVL3 protein (p.Tyr653Cys). In summary, the available evidence is currently insufficient to determine the role of this variant in disease. Therefore, it has been classified as a Variant of Uncertain Significance. An algorithm developed to predict the effect of missense changes on protein structure and function (PolyPhen-2) suggests that this variant is likely to be disruptive. This variant has not been reported in the literature in individuals affected with DVL3-related conditions. This variant is not present in population databases (gnomAD no frequency).